The following is an entry in ClinVar:

NM_014264.5(PLK4):c.1625C>A (p.Thr542Asn)

Gene: PLK4 (polo like kinase 4; plus strand). Cytogenetic location: 4q28.1.
Variant type: single nucleotide variant.
Coding change: c.1625C>A on transcript NM_014264.5 (MANE Select); coding-DNA position 1625, C replaced by A.
Protein change: p.Thr542Asn; replaces threonine 542 with asparagine.
Molecular consequence: missense variant.
Genome position (GRCh38, 1-based): chr4:127,890,031, C>A. VCF-style: chr4-127890031-C-A. GRCh37 (hg19) VCF-style: chr4-128811186-C-A.
Other names: c.1529C>A, p.Thr510Asn (NM_001190799.2); c.1502C>A, p.Thr501Asn (NM_001190801.2); short protein forms T542N, T510N, T501N.
Identifiers: ClinVar variation 1524562 (VCV001524562.6), dbSNP rs1735292702, ClinGen allele CA358155852.
Genomic context (GRCh38, chr4:127,890,031, plus strand): 5'-CAAAAGTCAAAAAGAACTCTGATGCTTCTGATAATGCACATTCTGTAAAACAGCAAAATA[C>A]CATGAAATATATGACTGCACTTCACAGTAAACCTGAGATAATCCAACAAGAATGTGTTTT-3'
Protein context (NP_055079.3, residues 532-552): DNAHSVKQQN[Thr542Asn]MKYMTALHSK

ClinVar aggregate classification (germline): Uncertain significance (1 of 4 stars; one submission).

Submission:

Labcorp Genetics (formerly Invitae), Labcorp
Classification: Uncertain significance. Last evaluated: 2022-11-08. Review status: criteria provided, single submitter. Criteria: Invitae Variant Classification Sherloc (09022015). Collection method: clinical testing. Allele origin: germline.
Comment: In summary, the available evidence is currently insufficient to determine the role of this variant in disease. Therefore, it has been classified as a Variant of Uncertain Significance. Algorithms developed to predict the effect of missense changes on protein structure and function (SIFT, PolyPhen-2, Align-GVGD) all suggest that this variant is likely to be tolerated. ClinVar contains an entry for this variant (Variation ID: 1524562). This variant has not been reported in the literature in individuals affected with PLK4-related conditions. This variant is not present in population databases (gnomAD no frequency). This sequence change replaces threonine, which is neutral and polar, with asparagine, which is neutral and polar, at codon 542 of the PLK4 protein (p.Thr542Asn).